The following is an entry in ClinVar:

ClinVar aggregate classification (germline): Pathogenic (1 of 4 stars; one submission).

Conditions:
ALG9 congenital disorder of glycosylation (CDG1L). Also called: CONGENITAL DISORDER OF GLYCOSYLATION, TYPE Il; ALG9-CDG; CDG Il. Identifiers: Orphanet 79328, MedGen C2931006, MONDO:0012117, OMIM 608776.

Submission:

Labcorp Genetics (formerly Invitae), Labcorp
Classification: Pathogenic for ALG9 congenital disorder of glycosylation. Last evaluated: 2024-10-28. Review status: criteria provided, single submitter. Criteria: Invitae Variant Classification Sherloc (09022015). Collection method: clinical testing. Allele origin: germline.
Comment: This sequence change creates a premature translational stop signal (p.Ile514Lysfs*4) in the ATP6V0A2 gene. It is expected to result in an absent or disrupted protein product. Loss-of-function variants in ATP6V0A2 are known to be pathogenic (PMID: 18157129, 19321599). This variant is not present in population databases (gnomAD no frequency). This variant has not been reported in the literature in individuals affected with ATP6V0A2-related conditions. For these reasons, this variant has been classified as Pathogenic.

Literature cited by the submitters: PubMed 18157129; PubMed 19321599.

NM_012463.4(ATP6V0A2):c.1519_1540dup (p.Ile514delinsLysArgArgTer)

Gene: ATP6V0A2 (ATPase H+ transporting V0 subunit a2; plus strand). Cytogenetic location: 12q24.31.
Variant type: Duplication.
Coding change: c.1519_1540dup on transcript NM_012463.4 (MANE Select); coding-DNA positions 1519 to 1540, 22 bases duplicated (AGCGTCGTTAGACACAACAGCA).
Protein change: p.Ile514delinsLysArgArgTer.
Molecular consequence: nonsense.
Genome position (GRCh38, 1-based): chr12:123,744,886-123,744,907, AGCGTCGTTAGACACAACAGCA duplicated. VCF-style (leftmost placement, unchanged base first): chr12-123744885-C-CAGCGTCGTTAGACACAACAGCA. GRCh37 (hg19) VCF-style: chr12-124229432-C-CAGCGTCGTTAGACACAACAGCA.
Identifiers: ClinVar variation 3674447 (VCV003674447.2).
Genomic context (GRCh38, chr12:123,744,885, plus strand): 5'-TGTTTCCTAGACCTTCCTCCTCCCAGGTCAGCCTCCTCACTCTGCTTTTTGTTACAGTGA[C>CAGCGTCGTTAGACACAACAGCA]AGCGTCGTTAGACACAACAGCATTTTGCAGCTGGATCCAAGCATTCCTGGAGTGTTCCGA-3'